The following is an entry in ClinVar:

NM_001282933.2(ZNF341):c.119C>T (p.Ala40Val)

Gene: ZNF341 (zinc finger protein 341; plus strand). Cytogenetic location: 20q11.22.
Variant type: single nucleotide variant.
Coding change: c.119C>T on transcript NM_001282933.2 (MANE Select); coding-DNA position 119, C replaced by T.
Protein change: p.Ala40Val; replaces alanine 40 with valine.
Molecular consequence: missense variant. On other transcripts: non-coding transcript variant (1).
Genome position (GRCh38, 1-based): chr20:33,740,989, C>T. VCF-style: chr20-33740989-C-T. GRCh37 (hg19) VCF-style: chr20-32328795-C-T.
Other names: c.46C>T, p.Arg16Cys (NM_001282935.2); c.119C>T, p.Ala40Val (NM_032819.5); short protein forms A40V, R16C.
Identifiers: ClinVar variation 1031000 (VCV001031000.5), dbSNP rs151120596, ClinGen allele CA9819061.

ClinVar aggregate classification (germline): Uncertain significance. Review status: criteria provided, multiple submitters, no conflicts (2 of 4 stars). 3 submissions from 3 submitters: Uncertain significance (3). Last evaluated 2024-02-28.

Conditions:
Hyper-IgE recurrent infection syndrome 3, autosomal recessive. Also called: Autosomal recessive hyper-IgE syndrome due to ZNF341 deficiency; HYPER-IgE SYNDROME 3, AUTOSOMAL RECESSIVE, WITH RECURRENT INFECTIONS. Identifiers: Orphanet 641368, MedGen C4748969, MONDO:0032654, OMIM 618282.

Allele frequency attached by ClinVar (database versions not stated): gnomAD exomes 0.00005 and 0.00008; 1000 Genomes Project 30x 0.00016; 1000 Genomes Project 0.00020; TOPMed 0.00006; gnomAD 0.00007 and 0.00008; ExAC 0.00004.
gnomAD v4.1: 83 of 1,614,088 alleles (0.0051%); highest among the groups gnomAD compares: East Asian, 0.069%; no homozygotes.

Submissions (3):

Ambry Genetics
Classification: Uncertain significance. Last evaluated: 2024-02-28. Review status: criteria provided, single submitter. Criteria: Ambry Variant Classification Scheme 2023. Collection method: clinical testing. Allele origin: germline.

Labcorp Genetics (formerly Invitae), Labcorp
Classification: Uncertain significance. Last evaluated: 2022-10-08. Review status: criteria provided, single submitter. Criteria: Invitae Variant Classification Sherloc (09022015). Collection method: clinical testing. Allele origin: germline.
Comment: This sequence change replaces alanine, which is neutral and non-polar, with valine, which is neutral and non-polar, at codon 40 of the ZNF341 protein (p.Ala40Val). This variant is present in population databases (rs151120596, gnomAD 0.02%). This variant has not been reported in the literature in individuals affected with ZNF341-related conditions. ClinVar contains an entry for this variant (Variation ID: 1031000). Algorithms developed to predict the effect of missense changes on protein structure and function (SIFT, PolyPhen-2, Align-GVGD) all suggest that this variant is likely to be tolerated. In summary, the available evidence is currently insufficient to determine the role of this variant in disease. Therefore, it has been classified as a Variant of Uncertain Significance.

Baylor Genetics
Classification: Uncertain significance for Hyper-IgE recurrent infection syndrome 3, autosomal recessive. Last evaluated: 2020-02-17. Review status: criteria provided, single submitter. Criteria: ACMG Guidelines, 2015. Collection method: clinical testing. Allele origin: unknown. Affected: yes.
Comment: This variant was determined to be of uncertain significance according to ACMG Guidelines, 2015 [PMID:25741868].